The following is an entry in ClinVar:

NM_001723.7(DST):c.4468A>G (p.Ile1490Val)

Gene: DST (dystonin; minus strand). Cytogenetic location: 6p12.1.
Variant type: single nucleotide variant.
Coding change: c.4468A>G on transcript NM_001723.7 (MANE Plus Clinical); coding-DNA position 4468, A replaced by G.
Protein change: p.Ile1490Val; replaces isoleucine 1490 with valine.
Molecular consequence: missense variant. On other transcripts: intron variant (10).
Genome position (GRCh38, 1-based): chr6:56,619,566, T>C on the plus strand (A>G on the coding strand, the complement: DST is on the minus strand). VCF-style: chr6-56619566-T-C. GRCh37 (hg19) VCF-style: chr6-56484364-T-C.
Other names: c.4830+4964A>G (NM_001144769.5); c.4929+4964A>G (NM_001374722.1, NM_001374736.1); c.4956+4964A>G (NM_001374734.1); c.4416+4964A>G (NM_001144770.2); c.4296+4964A>G (NM_001374730.1, NM_001386100.1, NM_183380.4 and 1 more transcripts); c.3318+4964A>G (NM_015548.5); short protein forms I1490V.
Identifiers: ClinVar variation 1473655 (VCV001473655.5), dbSNP rs753027671, ClinGen allele CA3870524.

ClinVar aggregate classification (germline): Uncertain significance (1 of 4 stars; one submission).

Conditions:
Hereditary sensory and autonomic neuropathy type 6. Also called: HSAN VI; Neuropathy, hereditary sensory and autonomic, type VI. Identifiers: Orphanet 314381, MedGen C3539003, MONDO:0013839, OMIM 614653.
Epidermolysis bullosa simplex 3, localized or generalized intermediate, with BP230 deficiency (EBS3). Also called: Epidermolysis bullosa simplex, autosomal recessive 2; Epidermolysis bullosa simplex due to BP230 deficiency. Identifiers: Orphanet 412181, MedGen C3809470, MONDO:0014180, OMIM 615425.

Allele frequency attached by ClinVar (database versions not stated): ExAC 0.00001; gnomAD 0.00002; gnomAD exomes 0.00002 and 0.00003; TOPMed 0.00004.
gnomAD v4.1: 16 of 1,613,874 alleles (0.00099%); highest among the groups gnomAD compares: Admixed American, 0.025%; no homozygotes.

Submission:

Labcorp Genetics (formerly Invitae), Labcorp
Classification: Uncertain significance for Epidermolysis bullosa simplex 3, localized or generalized intermediate, with BP230 deficiency; Hereditary sensory and autonomic neuropathy type 6. Last evaluated: 2021-09-01. Review status: criteria provided, single submitter. Criteria: Invitae Variant Classification Sherloc (09022015). Collection method: clinical testing. Allele origin: germline.
Comment: This sequence change replaces isoleucine with valine at codon 1490 of the DST protein (p.Ile1490Val). The isoleucine residue is highly conserved and there is a small physicochemical difference between isoleucine and valine. This variant is present in population databases (rs753027671, ExAC 0.009%). This variant has not been reported in the literature in individuals affected with DST-related conditions. Algorithms developed to predict the effect of missense changes on protein structure and function are either unavailable or do not agree on the potential impact of this missense change (SIFT: "Deleterious"; PolyPhen-2: "Benign"; Align-GVGD: "Class C25"). In summary, the available evidence is currently insufficient to determine the role of this variant in disease. Therefore, it has been classified as a Variant of Uncertain Significance.